The following is an entry in ClinVar:

NM_001323289.2(CDKL5):c.99+5G>A

Gene: CDKL5 (cyclin dependent kinase like 5; plus strand). Cytogenetic location: Xp22.13.
Variant type: single nucleotide variant.
Coding change: c.99+5G>A on transcript NM_001323289.2 (MANE Select); 5 bases into the intron after coding-DNA position 99, G replaced by A.
Molecular consequence: intron variant.
Genome position (GRCh38, 1-based): chrX:18,510,859, G>A. VCF-style: chrX-18510859-G-A. GRCh37 (hg19) VCF-style: chrX-18528979-G-A.
Other names: IVS3+5G>A; c.99+5G>A (NM_003159.3, NM_001037343.2).
Identifiers: ClinVar variation 156660 (VCV000156660.4), dbSNP rs587783131, ClinGen allele CA199420.
Genomic context (GRCh38, chrX:18,510,859, plus strand): 5'-GTTTACTTCTTTTTATTATAGGAGCCTATGGAGTTGTACTTAAATGCAGACACAAGGCAA[G>A]TACATTATTTTTAAAAAGAAATATCTGTATATGTTTAACTGTTTTGAAACTAATGTAGTG-3'

ClinVar aggregate classification (germline): Pathogenic/Likely pathogenic. Review status: criteria provided, multiple submitters, no conflicts (2 of 4 stars). 3 submissions from 3 submitters: Pathogenic (1); Likely pathogenic (1). 1 of the submissions does not count toward it. Last evaluated 2024-09-20.

Conditions:
CDKL5 disorder. Identifiers: MedGen CN296942, MONDO:0100039.
Developmental and epileptic encephalopathy, 2 (DEE2). Also called: INFANTILE SPASM SYNDROME, X-LINKED 2; CDKL5 deficiency disorder. Identifiers: Orphanet 1934, Orphanet 3451, Orphanet 505652, MedGen C4750718, MONDO:0010396, OMIM 300672.

Submissions (3):

Centre for Population Genomics, CPG
Classification: Likely pathogenic for CDKL5 disorder. Last evaluated: 2024-09-20. Review status: criteria provided, single submitter. Criteria: McKnight et al. (Hum Mutat. 2022). Collection method: curation. Allele origin: germline. Inheritance: X-linked inheritance.
Comment: This variant has been collected from RettBASE and curated to current modified ACMG/AMP criteria. Based on the classification scheme defined by the ClinGen Rett/Angelman-like Expert Panel for Rett/AS-like Disorders Specifications to the ACMG/AMP Variant Interpretation Guidelines VCEP 3.0, this variant is classified as likely pathogenic. At least the following criteria are met: This variant has been identified as a de novo occurrence in at least 2 individuals with CDKL5 disorder, without confirmation of paternity and maternity (PM6_Strong, PMID: 21765152, PMID: 20602487). The computational splicing predictor SpliceAI supports a splicing alteration (AL: 0.92, DL: 0.9) (PP3). At least one individual with this variant has been reported with a clinical phenotype consistent with CDKL5- related condition (PP4, PMID: 21765152, PMID: 20602487). This variant is absent from gnomAD (PM2_Supporting).

GeneDx
Classification: Pathogenic. Last evaluated: 2012-02-29. Review status: criteria provided, single submitter. Criteria: GeneDx Variant Classification (06012015). Collection method: clinical testing. Allele origin: germline. Affected: yes.
Comment: The c.99+5 G>A mutation in the CDKL5 gene has been previously reported in two individuals with early onset epilepsy. The c.99+5 G>A mutation damages the native splice donor site at the exon 3/intron 3 junction of the CDKL5 gene. In vitro mRNA studies indicate that it leads to skipping of exon 3, which is predicted to lead to loss of function due to protein truncation (Masilah Plachon et al., 2010). The variant is found in INFANT-EPI panel(s).

RettBASE
Classification: Pathogenic for Epileptic encephalopathy, early infantile, 2. Last evaluated: 2014-03-13. Review status: no assertion criteria provided. Collection method: curation. Allele origin: unknown, de novo. Affected: yes. Observed: 2 variant alleles. Not counted in ClinVar's aggregate classification.
Comment: Causes skipping of exon 3

Literature cited by the submitters: PubMed 21765152 (cited by Centre for Population Genomics, CPG and RettBASE); PubMed 20602487 (cited by RettBASE).